The following is an entry in ClinVar:

ClinVar aggregate classification (germline): Uncertain significance (1 of 4 stars; one submission).

Conditions:
Neonatal-onset encephalopathy with rigidity and seizures. Also called: Lethal neonatal spasticity-epileptic encephalopathy syndrome. Identifiers: Orphanet 435845, MedGen C3281029, MONDO:0013784, OMIM 614498.

Submission:

Labcorp Genetics (formerly Invitae), Labcorp
Classification: Uncertain significance for Neonatal-onset encephalopathy with rigidity and seizures. Last evaluated: 2022-05-21. Review status: criteria provided, single submitter. Criteria: Invitae Variant Classification Sherloc (09022015). Collection method: clinical testing. Allele origin: germline.
Comment: In summary, the available evidence is currently insufficient to determine the role of this variant in disease. Therefore, it has been classified as a Variant of Uncertain Significance. Experimental studies and prediction algorithms are not available or were not evaluated, and the functional significance of this variant is currently unknown. This variant has not been reported in the literature in individuals affected with BRAT1-related conditions. This variant is present in population databases (no rsID available, gnomAD 0.03%). This variant, c.386_415del, results in the deletion of 10 amino acid(s) of the BRAT1 protein (p.Ser129_Arg138del), but otherwise preserves the integrity of the reading frame.

NM_152743.4(BRAT1):c.386_415del (p.Ser129_Arg138del)

Gene: BRAT1 (BRCA1 associated ATM activator 1; minus strand). Cytogenetic location: 7p22.3.
Variant type: Deletion.
Coding change: c.386_415del on transcript NM_152743.4 (MANE Select); coding-DNA positions 386 to 415, 30 bases deleted (CCCTGGCACAGCACCCCAGCGCCCTGCGCT).
Protein change: p.Ser129_Arg138del.
Molecular consequence: inframe deletion. On other transcripts: non-coding transcript variant (1), intron variant (1).
Genome position (GRCh38, 1-based): chr7:2,544,924-2,544,953, AGCGCAGGGCGCTGGGGTGCTGTGCCAGGG deleted on the plus strand (CCCTGGCACAGCACCCCAGCGCCCTGCGCT on the coding strand, the reverse complement: BRAT1 is on the minus strand); deleting any 30 consecutive bases within chr7:2,544,924-2,544,961 gives the same sequence; the c. name uses the placement nearest the transcript's 3' end. VCF-style (leftmost placement, unchanged base first): chr7-2544923-AAGCGCAGGGCGCTGGGGTGCTGTGCCAGGG-A. GRCh37 (hg19) VCF-style: chr7-2584557-AAGCGCAGGGCGCTGGGGTGCTGTGCCAGGG-A.
Other names: c.386_415del, p.Ser129_Arg138del (NM_001350626.2); c.-95-991_-95-962del (NM_001350627.2).
Identifiers: ClinVar variation 2039221 (VCV002039221.4), dbSNP rs1195066431, ClinGen allele CA572178568.
Genomic context (GRCh38, chr7:2,544,923, plus strand): 5'-TCACACAGGCAGGATGAGGAATGGGGTGGGGTGTGGGCGCACTCACCATGGTCGGCCAGG[AAGCGCAGGGCGCTGGGGTGCTGTGCCAGGG>A]AGCGCAGGCCCTGGATCCAGCCGCTGCGCACGGTGGGGACGGCCCAGGTTGCTCGGCCGA-3'